The following is an entry in ClinVar:

ClinVar aggregate classification (germline): Pathogenic (1 of 4 stars; one submission).

Conditions:
Hereditary spastic paraplegia 11. Also called: Spastic paraplegia, mental retardation and thin corpus callosum; SPASTIC PARAPLEGIA, AUTOSOMAL RECESSIVE, COMPLICATED, WITH THIN CORPUS CALLOSUM; SPASTIC PARAPLEGIA, AUTOSOMAL RECESSIVE, WITH MENTAL IMPAIRMENT AND THIN CORPUS CALLOSUM; Spastic Paraplegia 11; Nakamura Osame syndrome; Autosomal recessive hereditary spastic paraplegia, mental impairment, and thin corpus callosum. Identifiers: Orphanet 2822, MedGen C1858479, MONDO:0011445, OMIM 604360.

Submission:

Labcorp Genetics (formerly Invitae), Labcorp
Classification: Pathogenic for Hereditary spastic paraplegia 11. Last evaluated: 2022-11-27. Review status: criteria provided, single submitter. Criteria: Invitae Variant Classification Sherloc (09022015). Collection method: clinical testing. Allele origin: unknown.
Comment: For these reasons, this variant has been classified as Pathogenic. This variant disrupts a region of the SPG11 protein in which other variant(s) (p.Val1270Asp) have been determined to be pathogenic (PMID: 22237444, 27217339, 29946510, 33624863). This suggests that this is a clinically significant region of the protein, and that variants that disrupt it are likely to be disease-causing. This variant has not been reported in the literature in individuals affected with SPG11-related conditions. This variant is a gross deletion of the genomic region encompassing exon(s) 8-26 of the SPG11 gene. This variant would be expected to be in-frame, preserving the integrity of the reading frame.

Literature cited by the submitters: PubMed 22237444; PubMed 27217339; PubMed 29946510; PubMed 33624863.

NC_000015.9:g.(?_44887437)_(44925855_?)del

Gene: SPG11 (SPG11 vesicle trafficking associated, spatacsin; minus strand). Cytogenetic location: 15q21.1.
Variant type: Deletion.
Identifiers: ClinVar variation 3243795 (VCV003243795.1).